The following is an entry in ClinVar:

NM_001197104.2(KMT2A):c.991C>T (p.Arg331Trp)

Gene: KMT2A (lysine methyltransferase 2A; plus strand). Cytogenetic location: 11q23.3.
Variant type: single nucleotide variant.
Coding change: c.991C>T on transcript NM_001197104.2 (MANE Select); coding-DNA position 991, C replaced by T.
Protein change: p.Arg331Trp; replaces arginine 331 with tryptophan.
Molecular consequence: missense variant.
Genome position (GRCh38, 1-based): chr11:118,472,150, C>T. VCF-style: chr11-118472150-C-T. GRCh37 (hg19) VCF-style: chr11-118342865-C-T.
Other names: c.1090C>T, p.Arg364Trp (NM_001412597.1); c.991C>T, p.Arg331Trp (NM_005933.4); short protein forms R331W, R364W.
Identifiers: ClinVar variation 2187842 (VCV002187842.4), dbSNP rs368926838, ClinGen allele CA6303361.

ClinVar aggregate classification (germline): Uncertain significance (1 of 4 stars; one submission).

Allele frequency attached by ClinVar (database versions not stated): ExAC 0.00002.
gnomAD v4.1: 7 of 1,613,774 alleles (0.00043%); highest among the groups gnomAD compares: East Asian, 0.0089%; no homozygotes.

Submission:

Labcorp Genetics (formerly Invitae), Labcorp
Classification: Uncertain significance. Last evaluated: 2024-10-08. Review status: criteria provided, single submitter. Criteria: Invitae Variant Classification Sherloc (09022015). Collection method: clinical testing. Allele origin: germline.
Comment: This sequence change replaces arginine, which is basic and polar, with tryptophan, which is neutral and slightly polar, at codon 331 of the KMT2A protein (p.Arg331Trp). This variant is present in population databases (rs368926838, gnomAD 0.02%). This variant has not been reported in the literature in individuals affected with KMT2A-related conditions. ClinVar contains an entry for this variant (Variation ID: 2187842). Invitae Evidence Modeling of protein sequence and biophysical properties (such as structural, functional, and spatial information, amino acid conservation, physicochemical variation, residue mobility, and thermodynamic stability) has been performed for this missense variant. However, the output from this modeling did not meet the statistical confidence thresholds required to predict the impact of this variant on KMT2A protein function. In summary, the available evidence is currently insufficient to determine the role of this variant in disease. Therefore, it has been classified as a Variant of Uncertain Significance.